The following is an entry in ClinVar:

ClinVar aggregate classification (germline): Conflicting classifications of pathogenicity. Review status: criteria provided, conflicting classifications (1 of 4 stars). 4 submissions from 4 submitters: Uncertain significance (3); Likely benign (1). Last evaluated 2024-04-13.

Conditions:
Breast-ovarian cancer, familial, susceptibility to, 5 (BROVCA5). Identifiers: MedGen C5830615, MONDO:0957530, OMIM 620442.
Fanconi anemia complementation group N. Also called: PALB2-Related Fanconi Anemia. Identifiers: Orphanet 84, MedGen C1835817, MONDO:0012565, OMIM 610832. Disease mechanism: loss of function.
Pancreatic cancer, susceptibility to, 3. Identifiers: Orphanet 1333, MedGen C3150547, MONDO:0013236, OMIM 613348.
Hereditary cancer-predisposing syndrome. Also called: Neoplastic Syndromes, Hereditary; Tumor predisposition; Hereditary Cancer Syndrome; Hereditary neoplastic syndrome. Identifiers: Orphanet 140162, MedGen C0027672, MeSH D009386, MONDO:0015356.

Allele frequency attached by ClinVar (database versions not stated): gnomAD 0.00001 and 0.00004; TOPMed 0.00001; gnomAD exomes 0.00003 and 0.00006; ExAC 0.00007; 1000 Genomes Project 0.00040; 1000 Genomes Project 30x 0.00047.
gnomAD v4.1: 46 of 1,614,122 alleles (0.0028%); highest among the groups gnomAD compares: South Asian, 0.024%; no homozygotes.

Submissions (4):

Fulgent Genetics
Classification: Uncertain significance for Fanconi anemia complementation group N; Pancreatic cancer, susceptibility to, 3; Breast-ovarian cancer, familial, susceptibility to, 5. Last evaluated: 2024-04-13. Review status: criteria provided, single submitter. Criteria: ACMG Guidelines, 2015. Collection method: clinical testing. Allele origin: germline.

Institute for Biomarker Research, Medical Diagnostic Laboratories, L.L.C.
Classification: Likely benign for Hereditary cancer-predisposing syndrome. Last evaluated: 2023-10-10. Review status: criteria provided, single submitter. Criteria: ACMG Guidelines, 2015. Collection method: clinical testing. Allele origin: germline.

Blueprint Genetics
Classification: Uncertain significance. Last evaluated: 2023-08-24. Review status: criteria provided, single submitter. Criteria: ACMG Guidelines, 2015. Collection method: clinical testing. Allele origin: germline.

Ambry Genetics
Classification: Uncertain significance for Hereditary cancer-predisposing syndrome. Last evaluated: 2019-03-14. Review status: criteria provided, single submitter. Criteria: Ambry Variant Classification Scheme 2023. Collection method: clinical testing. Allele origin: germline.
Comment: The p.L278Q variant (also known as c.833T>A), located in coding exon 4 of the PALB2 gene, results from a T to A substitution at nucleotide position 833. The leucine at codon 278 is replaced by glutamine, an amino acid with dissimilar properties. This amino acid position is poorly conserved in available vertebrate species. In addition, this alteration is predicted to be tolerated by in silico analysis. Since supporting evidence is limited at this time, the clinical significance of this alteration remains unclear.

NM_024675.4(PALB2):c.833T>A (p.Leu278Gln)

Gene: PALB2 (partner and localizer of BRCA2; minus strand). Cytogenetic location: 16p12.2.
Variant type: single nucleotide variant.
Coding change: c.833T>A on transcript NM_024675.4 (MANE Select); coding-DNA position 833, T replaced by A.
Protein change: p.Leu278Gln; replaces leucine 278 with glutamine.
Molecular consequence: missense variant.
Genome position (GRCh38, 1-based): chr16:23,635,713, A>T on the plus strand (T>A on the coding strand, the complement: PALB2 is on the minus strand). VCF-style: chr16-23635713-A-T. GRCh37 (hg19) VCF-style: chr16-23647034-A-T.
Other names: short protein forms L278Q.
Identifiers: ClinVar variation 822315 (VCV000822315.8), dbSNP rs200843485, ClinGen allele CA7963755.